The following is an entry in ClinVar:

NM_182961.4(SYNE1):c.3230G>T (p.Arg1077Met)

Gene: SYNE1 (spectrin repeat containing nuclear envelope protein 1; minus strand). Cytogenetic location: 6q25.2.
Variant type: single nucleotide variant.
Coding change: c.3230G>T on transcript NM_182961.4 (MANE Select); coding-DNA position 3230, G replaced by T.
Protein change: p.Arg1077Met; replaces arginine 1077 with methionine.
Molecular consequence: missense variant.
Genome position (GRCh38, 1-based): chr6:152,450,790, C>A on the plus strand (G>T on the coding strand, the complement: SYNE1 is on the minus strand). VCF-style: chr6-152450790-C-A. GRCh37 (hg19) VCF-style: chr6-152771925-C-A.
Other names: c.3251G>T, p.Arg1084Met (NM_033071.5); short protein forms R1084M, R1077M.
Identifiers: ClinVar variation 1940827 (VCV001940827.5), dbSNP rs2098641464, ClinGen allele CA366149891.

ClinVar aggregate classification (germline): Uncertain significance (1 of 4 stars; one submission).

Conditions:
Emery-Dreifuss muscular dystrophy 4, autosomal dominant (EDMD4). Also called: EMERY-DREIFUSS MUSCULAR DYSTROPHY 4 WITH VARIABLE FEATURES. Identifiers: Orphanet 261, MedGen C2751807, MONDO:0013071, OMIM 612998.
Autosomal recessive ataxia, Beauce type. Also called: SYNE1 Deficiency; Spinocerebellar ataxia, autosomal recessive 8; ATAXIA, RECESSIVE, OF BEAUCE; SYNE1-Related Autosomal Recessive Cerebellar Ataxia. Identifiers: Orphanet 88644, MedGen C1853116, MONDO:0012549, OMIM 610743.

gnomAD v4.1: 2 of 1,614,090 alleles (0.00012%); highest among the groups gnomAD compares: Non-Finnish European, 0.000085%; no homozygotes.

Submission:

Labcorp Genetics (formerly Invitae), Labcorp
Classification: Uncertain significance for Emery-Dreifuss muscular dystrophy 4, autosomal dominant; Autosomal recessive ataxia, Beauce type. Last evaluated: 2021-12-23. Review status: criteria provided, single submitter. Criteria: Invitae Variant Classification Sherloc (09022015). Collection method: clinical testing. Allele origin: germline.
Comment: This sequence change replaces arginine, which is basic and polar, with methionine, which is neutral and non-polar, at codon 1084 of the SYNE1 protein (p.Arg1084Met). This variant is not present in population databases (gnomAD no frequency). This variant has not been reported in the literature in individuals affected with SYNE1-related conditions. Algorithms developed to predict the effect of missense changes on protein structure and function are either unavailable or do not agree on the potential impact of this missense change (SIFT: "Deleterious"; PolyPhen-2: "Probably Damaging"; Align-GVGD: "Class C0"). In summary, the available evidence is currently insufficient to determine the role of this variant in disease. Therefore, it has been classified as a Variant of Uncertain Significance.